The following is an entry in ClinVar:

NM_007186.6(CEP250):c.3476C>G (p.Thr1159Arg)

Gene: CEP250 (centrosomal protein 250; plus strand). Cytogenetic location: 20q11.22.
Variant type: single nucleotide variant.
Coding change: c.3476C>G on transcript NM_007186.6 (MANE Select); coding-DNA position 3476, C replaced by G.
Protein change: p.Thr1159Arg; replaces threonine 1159 with arginine.
Molecular consequence: missense variant.
Genome position (GRCh38, 1-based): chr20:35,497,888, C>G. VCF-style: chr20-35497888-C-G. GRCh37 (hg19) VCF-style: chr20-34085717-C-G.
Other names: c.1580C>G, p.Thr527Arg (NM_001318219.1); short protein forms T527R, T1159R.
Identifiers: ClinVar variation 1910960 (VCV001910960.5), dbSNP rs1460407225, ClinGen allele CA408744278.

ClinVar aggregate classification (germline): Uncertain significance (1 of 4 stars; one submission).

Allele frequency attached by ClinVar (database versions not stated): gnomAD exomes below 0.00001.
gnomAD v4.1: 4 of 1,605,754 alleles (0.00025%); highest among the groups gnomAD compares: African/African-American, 0.0013%; no homozygotes.

Submission:

Labcorp Genetics (formerly Invitae), Labcorp
Classification: Uncertain significance. Last evaluated: 2022-07-19. Review status: criteria provided, single submitter. Criteria: Invitae Variant Classification Sherloc (09022015). Collection method: clinical testing. Allele origin: germline.
Comment: In summary, the available evidence is currently insufficient to determine the role of this variant in disease. Therefore, it has been classified as a Variant of Uncertain Significance. Algorithms developed to predict the effect of missense changes on protein structure and function are either unavailable or do not agree on the potential impact of this missense change (SIFT: "Not Available"; PolyPhen-2: "Possibly Damaging"; Align-GVGD: "Not Available"). This variant has not been reported in the literature in individuals affected with CEP250-related conditions. This variant is not present in population databases (gnomAD no frequency). This sequence change replaces threonine, which is neutral and polar, with arginine, which is basic and polar, at codon 1159 of the CEP250 protein (p.Thr1159Arg).